The following is an entry in ClinVar:

NM_006922.4(SCN3A):c.329T>C (p.Ile110Thr)

Gene: SCN3A (sodium voltage-gated channel alpha subunit 3; minus strand). Cytogenetic location: 2q24.3.
Variant type: single nucleotide variant.
Coding change: c.329T>C on transcript NM_006922.4 (MANE Select); coding-DNA position 329, T replaced by C.
Protein change: p.Ile110Thr; replaces isoleucine 110 with threonine.
Molecular consequence: missense variant.
Genome position (GRCh38, 1-based): chr2:165,170,484, A>G on the plus strand (T>C on the coding strand, the complement: SCN3A is on the minus strand). VCF-style: chr2-165170484-A-G. GRCh37 (hg19) VCF-style: chr2-166026994-A-G.
Other names: c.329T>C, p.Ile110Thr (NM_001081676.2, NM_001081677.2); c.329T>C (NM_006922.3); short protein forms I110T.
Identifiers: ClinVar variation 2002256 (VCV002002256.6), dbSNP rs1374110015, ClinGen allele CA349240527.

ClinVar aggregate classification (germline): Conflicting classifications of pathogenicity. Review status: criteria provided, conflicting classifications (1 of 4 stars). 2 submissions from 2 submitters: Uncertain significance (1); Likely benign (1). Last evaluated 2026-01-09.

Allele frequency attached by ClinVar (database versions not stated): gnomAD 0.00001.
gnomAD v4.1: 1 of 1,611,716 alleles (0.000062%); highest among the groups gnomAD compares: African/African-American, 0.0013%; no homozygotes.

Submissions (2):

GeneDx
Classification: Uncertain significance. Last evaluated: 2026-01-09. Review status: criteria provided, single submitter. Criteria: GeneDx Variant Classification Process June 2021. Collection method: clinical testing. Allele origin: germline.
Comment: Not observed at significant frequency in large population cohorts (gnomAD); In silico analysis supports that this missense variant has a deleterious effect on protein structure/function; Has not been previously published as pathogenic or benign to our knowledge

Labcorp Genetics (formerly Invitae), Labcorp
Classification: Likely benign. Last evaluated: 2024-10-22. Review status: criteria provided, single submitter. Criteria: Invitae Variant Classification Sherloc (09022015). Collection method: clinical testing. Allele origin: germline.